The following is an entry in ClinVar:

NM_002880.4(RAF1):c.356C>T (p.Ala119Val)

Gene: RAF1 (Raf-1 proto-oncogene, serine/threonine kinase; minus strand). Cytogenetic location: 3p25.2.
Variant type: single nucleotide variant.
Coding change: c.356C>T on transcript NM_002880.4 (MANE Select); coding-DNA position 356, C replaced by T.
Protein change: p.Ala119Val; replaces alanine 119 with valine.
Molecular consequence: missense variant. On other transcripts: non-coding transcript variant (3).
Genome position (GRCh38, 1-based): chr3:12,609,300, G>A on the plus strand (C>T on the coding strand, the complement: RAF1 is on the minus strand). VCF-style: chr3-12609300-G-A. GRCh37 (hg19) VCF-style: chr3-12650799-G-A.
Other names: c.356C>T, p.Ala119Val (NM_001354689.3, NM_001354690.3, NM_001354693.3); c.113C>T, p.Ala38Val (NM_001354691.3, NM_001354692.3, NM_001354694.3 and 1 more transcripts); c.356C>T (NM_002880.3); short protein forms A119V, A38V.
Identifiers: ClinVar variation 1403379 (VCV001403379.10), dbSNP rs1398525119, ClinGen allele CA351518565.
Genomic context (GRCh38, chr3:12,609,300, plus strand): 5'-TGTGTTGTGAGGGGAACATGATCCAGGAAATCTACTTGAAGTTCTTCTCCAATCAAAGAC[G>A]CAGCATCAGTATTCCAATCTAAGCGTGCTTTTTTACTAGAAAGGATTTAAAAAAAACATG-3'
Protein context (NP_002871.1, residues 109-129): KARLDWNTDA[Ala119Val]SLIGEELQVD

ClinVar aggregate classification (germline): Uncertain significance. Review status: criteria provided, multiple submitters, no conflicts (2 of 4 stars). 4 submissions from 4 submitters: Uncertain significance (4). Last evaluated 2026-05-13.

Conditions:
Cardiovascular phenotype. Identifiers: MedGen CN230736.
RAF1-related disorder. Also called: RAF1-related condition; RAF1-related disorders.
RASopathy. Also called: rasopathies; Noonan spectrum disorder. Identifiers: Orphanet 536391, MedGen C5555857, MONDO:0021060.

Allele frequency attached by ClinVar (database versions not stated): gnomAD exomes below 0.00001; TOPMed 0.00001.
gnomAD v4.1: 7 of 1,613,408 alleles (0.00043%); highest among the groups gnomAD compares: Non-Finnish European, 0.00051%; no homozygotes.

Submissions (4):

PreventionGenetics, part of Exact Sciences
Classification: Uncertain significance for RAF1-related condition. Last evaluated: 2026-05-13. Review status: criteria provided, single submitter. Criteria: ACMG Guidelines, 2015. Collection method: clinical testing. Allele origin: germline.
Comment: The RAF1 c.356C>T variant is predicted to result in the amino acid substitution p.Ala119Val. To our knowledge, this variant has not been reported in the literature in individuals with RAF1-related disorders or in a large population database (gnomAD), indicating this variant is rare. At this time, the clinical significance of this variant is uncertain due to the absence of conclusive functional and genetic evidence.

Ambry Genetics
Classification: Uncertain significance for Cardiovascular phenotype. Last evaluated: 2025-11-07. Review status: criteria provided, single submitter. Criteria: Ambry Variant Classification Scheme 2023. Collection method: clinical testing. Allele origin: germline.
Comment: The p.A119V variant (also known as c.356C>T), located in coding exon 3 of the RAF1 gene, results from a C to T substitution at nucleotide position 356. The alanine at codon 119 is replaced by valine, an amino acid with similar properties. This amino acid position is not well conserved in available vertebrate species. In addition, this alteration is predicted to be tolerated by in silico analysis. Based on the available evidence, the clinical significance of this variant remains unclear.

Blueprint Genetics
Classification: Uncertain significance. Last evaluated: 2023-12-04. Review status: criteria provided, single submitter. Criteria: ACMG Guidelines, 2015. Collection method: clinical testing. Allele origin: germline.

Labcorp Genetics (formerly Invitae), Labcorp
Classification: Uncertain significance for RASopathy. Last evaluated: 2022-07-20. Review status: criteria provided, single submitter. Criteria: Invitae Variant Classification Sherloc (09022015). Collection method: clinical testing. Allele origin: germline.
Comment: Advanced modeling of protein sequence and biophysical properties (such as structural, functional, and spatial information, amino acid conservation, physicochemical variation, residue mobility, and thermodynamic stability) performed at Invitae indicates that this missense variant is not expected to disrupt RAF1 protein function. In summary, the available evidence is currently insufficient to determine the role of this variant in disease. Therefore, it has been classified as a Variant of Uncertain Significance. ClinVar contains an entry for this variant (Variation ID: 1403379). This variant has not been reported in the literature in individuals affected with RAF1-related conditions. This variant is not present in population databases (gnomAD no frequency). This sequence change replaces alanine, which is neutral and non-polar, with valine, which is neutral and non-polar, at codon 119 of the RAF1 protein (p.Ala119Val).